The following is an entry in ClinVar:

NM_005993.5(TBCD):c.950+1G>T

Gene: TBCD (tubulin folding cofactor D). Cytogenetic location: 17q25.3.
Variant type: single nucleotide variant.
Coding change: c.950+1G>T on transcript NM_005993.5 (MANE Select); the canonical splice donor site of the intron after coding-DNA position 950, G replaced by T.
Molecular consequence: splice donor variant.
Genome position (GRCh38, 1-based): chr17:82,800,997, G>T. VCF-style: chr17-82800997-G-T. GRCh37 (hg19) VCF-style: chr17-80758873-G-T.
Other names: c.950+1G>T (NM_001411102.1); c.899+1G>T (NM_001411101.1).
Identifiers: ClinVar variation 1068332 (VCV001068332.7), dbSNP rs2144674023, ClinGen allele CA401633786.

ClinVar aggregate classification (germline): Likely pathogenic (1 of 4 stars; one submission).

Submission:

Labcorp Genetics (formerly Invitae), Labcorp
Classification: Likely pathogenic. Last evaluated: 2023-10-11. Review status: criteria provided, single submitter. Criteria: Invitae Variant Classification Sherloc (09022015). Collection method: clinical testing. Allele origin: germline.
Comment: This sequence change affects a donor splice site in intron 9 of the TBCD gene. It is expected to disrupt RNA splicing. Variants that disrupt the donor or acceptor splice site typically lead to a loss of protein function (PMID: 16199547), and loss-of-function variants in TBCD are known to be pathogenic (PMID: 27666370, 27666374). This variant is not present in population databases (gnomAD no frequency). This variant has not been reported in the literature in individuals affected with TBCD-related conditions. ClinVar contains an entry for this variant (Variation ID: 1068332). Algorithms developed to predict the effect of sequence changes on RNA splicing suggest that this variant may disrupt the consensus splice site. In summary, the currently available evidence indicates that the variant is pathogenic, but additional data are needed to prove that conclusively. Therefore, this variant has been classified as Likely Pathogenic.

Literature cited by the submitters: PubMed 16199547; PubMed 27666370; PubMed 27666374.